The following is an entry in ClinVar:

NM_018668.5(VPS33B):c.277C>T (p.Arg93Ter)

Gene: VPS33B (VPS33B late endosome and lysosome associated; minus strand). Cytogenetic location: 15q26.1.
Variant type: single nucleotide variant.
Coding change: c.277C>T on transcript NM_018668.5 (MANE Select); coding-DNA position 277, C replaced by T.
Protein change: p.Arg93Ter; replaces arginine 93 with a stop codon.
Molecular consequence: nonsense.
Genome position (GRCh38, 1-based): chr15:91,014,396, G>A on the plus strand (C>T on the coding strand, the complement: VPS33B is on the minus strand). VCF-style: chr15-91014396-G-A. GRCh37 (hg19) VCF-style: chr15-91557626-G-A.
Other names: c.277C>T (NM_018668.4); c.196C>T, p.Arg66Ter (NM_001289148.1); c.4C>T, p.Arg2Ter (NM_001289149.1); short protein forms R2*, R66*, R93*.
Identifiers: ClinVar variation 1323756 (VCV001323756.17), dbSNP rs368124813, ClinGen allele CA7745138.
Genomic context (GRCh38, chr15:91,014,396, plus strand): 5'-TTTGCCCGCCCTTTCCCACAGTTACACATAGTACCATGGCACACTCACTGGCAATGTATC[G>A]CATATTCTTGATGCGGGGTCTGACCAAGAAGCACAATCTATGAGAGAGAAAGAAAAAAAA-3'

ClinVar aggregate classification (germline): Pathogenic/Likely pathogenic. Review status: criteria provided, multiple submitters, no conflicts (2 of 4 stars). 8 submissions from 8 submitters: Pathogenic (6); Likely pathogenic (1). 1 of the submissions does not count toward it. Last evaluated 2025-09-13.

Conditions:
Autosomal recessive VPS33B-related disorders.
Arthrogryposis, renal dysfunction, and cholestasis 1 (ARCS1). Identifiers: Orphanet 2697, MedGen C1859722, MONDO:0008822, OMIM 208085.
Keratoderma-ichthyosis-deafness syndrome, autosomal recessive (KDIDAR). Identifiers: MedGen C5774200, MONDO:0859278, OMIM 620009.
Cholestasis, progressive familial intrahepatic, 12 (PFIC12). Also called: CHOLESTASIS, ISOLATED LOW-GGT. Identifiers: MedGen C5774311, MONDO:0031040, OMIM 620010.
VPS33B-related disorder. Also called: VPS33B-related condition.

Allele frequency attached by ClinVar (database versions not stated): gnomAD 0.00005; gnomAD exomes 0.00001 and 0.00002; ExAC 0.00002; ESP Exome Variant Server 0.00008; TOPMed 0.00003.

Submissions (8):

3billion
Classification: Pathogenic for Arthrogryposis, renal dysfunction, and cholestasis 1. Last evaluated: 2025-09-13. Review status: criteria provided, single submitter. Criteria: ACMG Guidelines, 2015. Collection method: clinical testing. Allele origin: germline. Affected: yes.
Comment: The variant is observed at an extremely low frequency in the gnomAD v4.1.0 dataset (total allele frequency: 0.001%). Predicted Consequence/Location: Stop-gained (nonsense): predicted to result in a loss or disruption of normal protein function through nonsense-mediated decay (NMD) or protein truncation. Multiple pathogenic variants are reported downstream of the variant. The variant has been reported at least twice as pathogenic with clinical assertions and evidence for the classification (ClinVar ID: VCV001323756 /PMID: 16896922 /3billion dataset). Therefore, this variant is classified as Pathogenic according to the recommendation of ACMG/AMP guideline.

Variantyx, Inc.
Classification: Likely pathogenic for Autosomal recessive VPS33B-related disorders. Last evaluated: 2025-08-26. Review status: criteria provided, single submitter. Criteria: Variantyx Assertion Criteria 2022. Collection method: clinical testing. Allele origin: germline. Inheritance: Autosomal recessive inheritance. Affected: no.
Comment: This is a nonsense variant in the VPS33B gene (OMIM: 608552). Pathogenic variants in this gene have been associated with autosomal recessive VPS33B-related disorders. This variant introduces a premature termination codon in exon 4 out of 23 and is expected to result in loss of function, which is a known disease mechanism for VPS33B in these disorders (PVS1) (PMID:17994566;22753090). This variant has a 0.0067% maximum allele frequency in non-founder control populations (PM2). Based on the current evidence, this variant is classified as likely pathogenic for autosomal recessive VPS33B-related disorders.

GeneDx
Classification: Pathogenic. Last evaluated: 2025-04-18. Review status: criteria provided, single submitter. Criteria: GeneDx Variant Classification Process June 2021. Collection method: clinical testing. Allele origin: germline. Affected: yes.
Comment: Reported along with a second variant in the VPS33B gene in a patient with clinical findings of ARC syndrome in the published literature; however, segregation information was not provided (PMID: 16896922); Nonsense variant predicted to result in protein truncation or nonsense mediated decay in a gene for which loss of function is a known mechanism of disease; Not observed at significant frequency in large population cohorts (gnomAD); This variant is associated with the following publications: (PMID: 15052268, 16896922)

Fulgent Genetics
Classification: Pathogenic for Arthrogryposis, renal dysfunction, and cholestasis 1; Keratoderma-ichthyosis-deafness syndrome, autosomal recessive; Cholestasis, progressive familial intrahepatic, 12. Last evaluated: 2024-03-05. Review status: criteria provided, single submitter. Criteria: ACMG Guidelines, 2015. Collection method: clinical testing. Allele origin: germline.

Labcorp Genetics (formerly Invitae), Labcorp
Classification: Pathogenic. Last evaluated: 2023-12-11. Review status: criteria provided, single submitter. Criteria: Invitae Variant Classification Sherloc (09022015). Collection method: clinical testing. Allele origin: germline.
Comment: This sequence change creates a premature translational stop signal (p.Arg93*) in the VPS33B gene. It is expected to result in an absent or disrupted protein product. Loss-of-function variants in VPS33B are known to be pathogenic (PMID: 15052268, 16896922). This variant is present in population databases (rs368124813, gnomAD 0.005%). This premature translational stop signal has been observed in individual(s) with arthrogryposis, renal dysfunction, and cholestasis syndrome (PMID: 16896922). ClinVar contains an entry for this variant (Variation ID: 1323756). For these reasons, this variant has been classified as Pathogenic.

Genetics and Genomic Medicine Centre, NeuroGen Healthcare, NeuroGen Healthcare
Classification: Pathogenic for Arthrogryposis, renal dysfunction, and cholestasis 1. Last evaluated: 2021-03-02. Review status: criteria provided, single submitter. Criteria: Submitter's publication. Collection method: clinical testing. Allele origin: unknown. Affected: no.

Revvity Omics, Revvity
Classification: Pathogenic. Last evaluated: 2019-03-04. Review status: criteria provided, single submitter. Criteria: ACMG Guidelines, 2015. Collection method: clinical testing. Allele origin: germline.

PreventionGenetics, part of Exact Sciences
Classification: Pathogenic for VPS33B-related condition. Last evaluated: 2024-02-15. Review status: no assertion criteria provided. Collection method: clinical testing. Allele origin: germline. Not counted in ClinVar's aggregate classification.
Comment: The VPS33B c.277C>T variant is predicted to result in premature protein termination (p.Arg93*). This variant is reported to be causative for ACR (arthrogryposis, renal dysfunction, and cholestasis) syndrome (Gissen et al. 2006. PubMed ID: 16896922). This variant is reported in 0.0046% of alleles in individuals of European (Non-Finnish) descent in gnomAD. Nonsense variants in VPS33B are expected to be pathogenic. This variant is interpreted as pathogenic.

Literature cited by the submitters: PubMed 16896922 (cited by 3billion and Labcorp Genetics (formerly Invitae), Labcorp); PubMed 17994566 (cited by Variantyx, Inc.); PubMed 22753090 (cited by Variantyx, Inc.); PubMed 15052268 (cited by Labcorp Genetics (formerly Invitae), Labcorp).